The following is an entry in ClinVar:

ClinVar aggregate classification (germline): Uncertain significance (1 of 4 stars; one submission).

Submission:

CeGaT Center for Human Genetics Tuebingen
Classification: Uncertain significance. Last evaluated: 2025-11-01. Review status: criteria provided, single submitter. Criteria: CeGaT Center For Human Genetics Tuebingen Variant Classification Criteria Version 2. Collection method: clinical testing. Allele origin: germline. Affected: yes. Observed: 1 variant allele.
Comment: ALMS1: PM2, BP4

NM_001378454.1(ALMS1):c.8842C>G (p.Pro2948Ala)

Gene: ALMS1 (ALMS1 centrosome and basal body associated protein; plus strand). Cytogenetic location: 2p13.1.
Variant type: single nucleotide variant.
Coding change: c.8842C>G on transcript NM_001378454.1 (MANE Select); coding-DNA position 8842, C replaced by G.
Protein change: p.Pro2948Ala; replaces proline 2948 with alanine.
Molecular consequence: missense variant.
Genome position (GRCh38, 1-based): chr2:73,490,801, C>G. VCF-style: chr2-73490801-C-G. GRCh37 (hg19) VCF-style: chr2-73717928-C-G.
Other names: c.8845C>G, p.Pro2949Ala (NM_015120.4); short protein forms P2948A, P2949A.
Identifiers: ClinVar variation 4681809 (VCV004681809.5).
Genomic context (GRCh38, chr2:73,490,801, plus strand): 5'-GAACTCTTTGAACAGTGCAAAGCCCCATATGTAGATCATCAAATGAGAGAAAACCATTCT[C>G]CCCTTCCTCAAGGTCAGGATTCTATAGCTTCAGACCTTCCGTCTCCCATTTCTCTTGAAC-3'
Protein context (NP_001365383.1, residues 2938-2958): VDHQMRENHS[Pro2948Ala]LPQGQDSIAS